The following is an entry in ClinVar:

ClinVar aggregate classification (germline): Conflicting classifications of pathogenicity. Review status: criteria provided, conflicting classifications (1 of 4 stars). 7 submissions from 7 submitters: Uncertain significance (1); Likely benign (6). Last evaluated 2026-06-24.

Conditions:
Arrhythmogenic right ventricular dysplasia 9 (ARVD9). Also called: Arrhythmogenic Right Ventricular Dysplasia/Cardiomyopathy 9; ARRHYTHMOGENIC RIGHT VENTRICULAR DYSPLASIA, FAMILIAL, 9. Identifiers: MedGen C1836906, MONDO:0012180, OMIM 609040.
Arrhythmogenic right ventricular cardiomyopathy (ARVD). Also called: Arrhythmogenic cardiomyopathy; Arrhythmogenic Right Ventricular Cardiomyopathy (ARVC); Cardiomyopathy, ARVC; Arrhythmogenic right ventricular dysplasia. Identifiers: Orphanet 247, MedGen C0349788, MeSH D019571, MONDO:0016587. Disease mechanism: loss of function. Inheritance: Various modes of inheritance.
Cardiovascular phenotype. Identifiers: MedGen CN230736.
Cardiomyopathy (CMYO). Also called: Cardiomyopathies. Identifiers: Orphanet 167848, MedGen C0878544, MONDO:0004994, HP:0001638. Inheritance: Various modes of inheritance.
PKP2-related disorder. Also called: PKP2-related condition.

Allele frequency attached by ClinVar (database versions not stated): gnomAD 0.00004; gnomAD exomes 0.00005 and 0.00019; TOPMed 0.00005; ESP Exome Variant Server 0.00008.
gnomAD v4.1: 277 of 1,612,464 alleles (0.017%); highest among the groups gnomAD compares: Non-Finnish European, 0.023%; no homozygotes.

Submissions (7):

PreventionGenetics, part of Exact Sciences
Classification: Likely benign for PKP2-related condition. Last evaluated: 2026-06-24. Review status: criteria provided, single submitter. Criteria: ACMG Guidelines, 2015. Collection method: clinical testing. Allele origin: germline.
Comment: This variant is classified as likely benign based on ACMG/AMP sequence variant interpretation guidelines (Richards et al. 2015 PMID: 25741868, with internal and published modifications).

Labcorp Genetics (formerly Invitae), Labcorp
Classification: Likely benign for Arrhythmogenic right ventricular dysplasia 9. Last evaluated: 2026-01-13. Review status: criteria provided, single submitter. Criteria: Invitae Variant Classification Sherloc (09022015). Collection method: clinical testing. Allele origin: germline.

All of Us Research Program, National Institutes of Health
Classification: Likely benign for Arrhythmogenic right ventricular cardiomyopathy. Last evaluated: 2024-08-13. Review status: criteria provided, single submitter. Criteria: ACMG Guidelines, 2015. Collection method: clinical testing. Allele origin: germline. Inheritance: Autosomal dominant inheritance. Observed: 8 variant alleles, 8 heterozygotes.
Comment: This study involves interpretation of variants in research participants for the purpose of population health screening. Participant phenotype was not available at the time of variant classification. Additional details can be found in publication PMID: 35346344, PMCID: PMC8962531

Ambry Genetics
Classification: Likely benign for Cardiovascular phenotype. Last evaluated: 2020-07-07. Review status: criteria provided, single submitter. Criteria: Ambry Variant Classification Scheme 2023. Collection method: clinical testing. Allele origin: germline.

Blueprint Genetics
Classification: Likely benign. Last evaluated: 2019-09-18. Review status: criteria provided, single submitter. Criteria: ACMG Guidelines, 2015. Collection method: clinical testing. Allele origin: germline.

Color Diagnostics, LLC DBA Color Health
Classification: Likely benign for Cardiomyopathy. Last evaluated: 2019-01-07. Review status: criteria provided, single submitter. Criteria: ACMG Guidelines, 2015. Collection method: clinical testing. Allele origin: germline.

Illumina Laboratory Services, Illumina
Classification: Uncertain significance for Arrhythmogenic right ventricular dysplasia 9. Last evaluated: 2018-01-13. Review status: criteria provided, single submitter. Criteria: ICSL Variant Classification Criteria 13 December 2019. Collection method: clinical testing. Allele origin: germline.

NM_001005242.3(PKP2):c.1464C>T (p.Ile488=)

Gene: PKP2 (plakophilin 2; minus strand). Cytogenetic location: 12p11.21.
Variant type: single nucleotide variant.
Coding change: c.1464C>T on transcript NM_001005242.3 (MANE Select); coding-DNA position 1464, C replaced by T.
Protein change: p.Ile488=; no amino-acid change (isoleucine 488 retained).
Molecular consequence: synonymous variant.
Genome position (GRCh38, 1-based): chr12:32,841,120, G>A on the plus strand (C>T on the coding strand, the complement: PKP2 is on the minus strand). VCF-style: chr12-32841120-G-A. GRCh37 (hg19) VCF-style: chr12-32994054-G-A.
Other names: c.1596C>T, p.Ile532= (NM_004572.4).
Identifiers: ClinVar variation 533050 (VCV000533050.23), dbSNP rs145387575, ClinGen allele CA029614.